The following is an entry in ClinVar:

ClinVar aggregate classification (germline): Uncertain significance. Review status: criteria provided, multiple submitters, no conflicts (2 of 4 stars). 3 submissions from 3 submitters: Uncertain significance (3). Last evaluated 2024-07-30.

Conditions:
Hereditary cancer-predisposing syndrome. Also called: Tumor predisposition; Hereditary neoplastic syndrome; Hereditary Cancer Syndrome; Neoplastic Syndromes, Hereditary. Identifiers: Orphanet 140162, MedGen C0027672, MeSH D009386, MONDO:0015356.
Hereditary nonpolyposis colorectal neoplasms. Identifiers: MedGen C0009405, MeSH D003123.

Submissions (3):

GeneDx
Classification: Uncertain significance. Last evaluated: 2024-07-30. Review status: criteria provided, single submitter. Criteria: GeneDx Variant Classification Process June 2021. Collection method: clinical testing. Allele origin: germline. Affected: yes.
Comment: In silico analysis indicates that this missense variant does not alter protein structure/function; Has not been previously published as pathogenic or benign to our knowledge; This variant is associated with the following publications: (PMID: 11574484)

Labcorp Genetics (formerly Invitae), Labcorp
Classification: Uncertain significance for Hereditary nonpolyposis colorectal neoplasms. Last evaluated: 2024-06-21. Review status: criteria provided, single submitter. Criteria: Invitae Variant Classification Sherloc (09022015). Collection method: clinical testing. Allele origin: germline.
Comment: This sequence change replaces serine, which is neutral and polar, with alanine, which is neutral and non-polar, at codon 358 of the PMS2 protein (p.Ser358Ala). This variant is present in population databases (no rsID available, gnomAD 0.006%). This variant has not been reported in the literature in individuals affected with PMS2-related conditions. ClinVar contains an entry for this variant (Variation ID: 575654). Advanced modeling of protein sequence and biophysical properties (such as structural, functional, and spatial information, amino acid conservation, physicochemical variation, residue mobility, and thermodynamic stability) has been performed at Invitae for this missense variant, however the output from this modeling did not meet the statistical confidence thresholds required to predict the impact of this variant on PMS2 protein function. In summary, the available evidence is currently insufficient to determine the role of this variant in disease. Therefore, it has been classified as a Variant of Uncertain Significance.

Ambry Genetics
Classification: Uncertain significance for Hereditary cancer-predisposing syndrome. Last evaluated: 2024-01-17. Review status: criteria provided, single submitter. Criteria: Ambry Variant Classification Scheme 2023. Collection method: clinical testing. Allele origin: germline.
Comment: The p.S358A variant (also known as c.1072T>G), located in coding exon 10 of the PMS2 gene, results from a T to G substitution at nucleotide position 1072. The serine at codon 358 is replaced by alanine, an amino acid with similar properties. This amino acid position is highly conserved in available vertebrate species. In addition, the in silico prediction for this alteration is inconclusive. Since supporting evidence is limited at this time, the clinical significance of this alteration remains unclear.

NM_000535.7(PMS2):c.1072T>G (p.Ser358Ala)

Gene: PMS2 (PMS1 homolog 2, mismatch repair system component; minus strand). Cytogenetic location: 7p22.1.
Variant type: single nucleotide variant.
Coding change: c.1072T>G on transcript NM_000535.7 (MANE Select); coding-DNA position 1072, T replaced by G.
Protein change: p.Ser358Ala; replaces serine 358 with alanine.
Molecular consequence: missense variant. On other transcripts: non-coding transcript variant (1), intron variant (2).
Genome position (GRCh38, 1-based): chr7:5,989,872, A>C on the plus strand (T>G on the coding strand, the complement: PMS2 is on the minus strand). VCF-style: chr7-5989872-A-C. GRCh37 (hg19) VCF-style: chr7-6029503-A-C.
Other names: c.139T>G, p.Ser47Ala (NM_001322012.2, NM_001322011.2); c.499T>G, p.Ser167Ala (NM_001322013.2); c.1072T>G, p.Ser358Ala (NM_001322014.2); c.763T>G, p.Ser255Ala (NM_001322015.2); c.583+2101T>G (NM_001322010.2); c.988+2101T>G (NM_001322006.2); c.667T>G, p.Ser223Ala (NM_001322003.2, NM_001322004.2, NM_001322005.2 and 1 more transcripts); c.754T>G, p.Ser252Ala (NM_001322007.2, NM_001322008.2); short protein forms S358A, S223A, S255A, S47A, S167A, S252A.
Identifiers: ClinVar variation 575654 (VCV000575654.10), dbSNP rs767755376, ClinGen allele CA366742868.
Genomic context (GRCh38, chr7:5,989,872, plus strand): 5'-GCAGTGGCTGCTGACTGACATTTAGCTTGTTGACATCACTATCAAACATTCCTATCAAAG[A>C]GGTCTTTAAAACTGCCAACAAAAGCTTTTCCTCTTGTAGCAAAATTTGCCTTTTATCTGG-3'
Protein context (NP_000526.2, residues 348-368): EKLLLAVLKT[Ser358Ala]LIGMFDSDVN